The following is an entry in ClinVar:

NM_001330078.2(NRXN1):c.2375-10T>A

Gene: NRXN1 (neurexin 1; minus strand). Cytogenetic location: 2p16.3.
Variant type: single nucleotide variant.
Coding change: c.2375-10T>A on transcript NM_001330078.2 (MANE Select); 10 bases into the intron before coding-DNA position 2375, T replaced by A.
Molecular consequence: intron variant.
Genome position (GRCh38, 1-based): chr2:50,506,627, A>T on the plus strand (T>A on the coding strand, the complement: NRXN1 is on the minus strand). VCF-style: chr2-50506627-A-T. GRCh37 (hg19) VCF-style: chr2-50733765-A-T.
Other names: c.2264-10T>A (NM_001330096.2, NM_001330087.2); c.2309-10T>A (NM_001330083.2, NM_001330084.2); c.2294-10T>A (NM_001330088.2); c.2372-10T>A (NM_001330093.2); c.2363-10T>A (NM_001330094.2); c.2324-10T>A (NM_001330095.2); c.2351-10T>A (NM_001330082.2, NM_001330077.2); c.2348-10T>A (NM_001330085.2); and 2 more.
Identifiers: ClinVar variation 426942 (VCV000426942.2), dbSNP rs1085307863, ClinGen allele CA532388648.

ClinVar aggregate classification (germline): Uncertain significance (1 of 4 stars; one submission).

Allele frequency attached by ClinVar (database versions not stated): TOPMed below 0.00001; gnomAD exomes 0.00001 and 0.00002.
gnomAD v4.1: 6 of 1,612,766 alleles (0.00037%); highest among the groups gnomAD compares: Non-Finnish European, 0.00051%; no homozygotes.

Submission:

GeneDx
Classification: Uncertain significance. Last evaluated: 2018-10-23. Review status: criteria provided, single submitter. Criteria: GeneDx Variant Classification (06012015). Collection method: clinical testing. Allele origin: germline. Affected: yes.
Comment: The c.2495-10 T>A variant has not been published as a pathogenic variant, nor has it been reported as a benign variant to our knowledge. The c.2495-10 T>A variant is not observed in large population cohorts (Lek et al., 2016; 1000 Genomes Consortium et al., 2015; Exome Variant Server. Several in-silico splice prediction models predict that c.2495-10 T>A may damage the natural splice acceptor site in intron 13 and lead to abnormal gene splicing. However, in the absence of RNA/functional studies, the actual effect of this sequence change in this individual is unknown. Therefore, based on the currently available information, it is unclear whether this variant is a pathogenic variant or a rare benign varian